The following is an entry in ClinVar:

NM_002049.4(GATA1):c.1102G>C (p.Gly368Arg)

Gene: GATA1 (GATA binding protein 1; plus strand). Cytogenetic location: Xp11.23.
Variant type: single nucleotide variant.
Coding change: c.1102G>C on transcript NM_002049.4 (MANE Select); coding-DNA position 1102, G replaced by C.
Protein change: p.Gly368Arg; replaces glycine 368 with arginine.
Molecular consequence: missense variant.
Genome position (GRCh38, 1-based): chrX:48,794,024, G>C. VCF-style: chrX-48794024-G-C. GRCh37 (hg19) VCF-style: chrX-48652431-G-C.
Other names: short protein forms G368R.
Identifiers: ClinVar variation 2945609 (VCV002945609.3), dbSNP rs782271840, ClinGen allele CA412871944.
Genomic context (GRCh38, chrX:48,794,024, plus strand): 5'-GAGGTGGCTTCAGGCCTGACACTGGGCCCCCCAGGTACTGCCCATCTCTACCAAGGCCTG[G>C]GCCCTGTGGTGCTGTCAGGGCCTGTTAGCCACCTCATGCCTTTCCCTGGACCCCTACTGG-3'
Protein context (NP_002040.1, residues 358-378): PGTAHLYQGL[Gly368Arg]PVVLSGPVSH

ClinVar aggregate classification (germline): Uncertain significance (1 of 4 stars; one submission).

Conditions:
Diamond-Blackfan anemia. Also called: Blackfan Diamond syndrome; Aregenerative anemia chronic congenital; Red cell aplasia, pure hereditary; Congenital hypoplastic anemia; Aase syndrome. Identifiers: Orphanet 124, MedGen C1260899, MeSH D029503, MONDO:0015253, HP:0004810.
GATA binding protein 1 related thrombocytopenia with dyserythropoiesis. Also called: GATA1-Related Cytopenia; GATA1-Related X-Linked Cytopenia. Identifiers: MedGen C1845837, MONDO:0100089.

gnomAD v4.1: 3 of 1,209,698 alleles (0.00025%); highest among the groups gnomAD compares: African/African-American, 0.0052%; no homozygotes.

Submission:

Labcorp Genetics (formerly Invitae), Labcorp
Classification: Uncertain significance for GATA binding protein 1 related thrombocytopenia with dyserythropoiesis; Diamond-Blackfan anemia. Last evaluated: 2023-12-01. Review status: criteria provided, single submitter. Criteria: Invitae Variant Classification Sherloc (09022015). Collection method: clinical testing. Allele origin: germline.
Comment: This sequence change replaces glycine, which is neutral and non-polar, with arginine, which is basic and polar, at codon 368 of the GATA1 protein (p.Gly368Arg). This variant is present in population databases (no rsID available, gnomAD 0.008%). This variant has not been reported in the literature in individuals affected with GATA1-related conditions. Advanced modeling of protein sequence and biophysical properties (such as structural, functional, and spatial information, amino acid conservation, physicochemical variation, residue mobility, and thermodynamic stability) performed at Invitae indicates that this missense variant is not expected to disrupt GATA1 protein function with a negative predictive value of 80%. In summary, the available evidence is currently insufficient to determine the role of this variant in disease. Therefore, it has been classified as a Variant of Uncertain Significance.